The following is an entry in ClinVar:

ClinVar aggregate classification (germline): Benign. Review status: criteria provided, multiple submitters, no conflicts (2 of 4 stars). 6 submissions from 6 submitters: Benign (3). 3 of the submissions do not count toward it. Last evaluated 2026-02-03.

Conditions:
DYNC1H1-related disorder. Also called: DYNC1H1-related condition; DYNC1H1-related disorders. Identifiers: MedGen CN381529.
Charcot-Marie-Tooth disease. Also called: Charcot-Marie-Tooth Hereditary Neuropathy; Charcot-Marie-Tooth Neuropathy. Identifiers: Orphanet 166, MedGen C0007959, MONDO:0015626.
Charcot-Marie-Tooth disease axonal type 2O. Also called: CHARCOT-MARIE-TOOTH NEUROPATHY, AXONAL, TYPE 2O; CHARCOT-MARIE-TOOTH DISEASE, AXONAL, AUTOSOMAL DOMINANT, TYPE 2O; Charcot-Marie-Tooth Neuropathy Type 2O; Charcot-Marie-Tooth disease, axonal, type 20. Identifiers: Orphanet 284232, MedGen C3280220, MONDO:0013644, OMIM 614228.

Allele frequency attached by ClinVar (database versions not stated): ESP Exome Variant Server 0.00023; gnomAD exomes 0.00092 and 0.00326; gnomAD 0.00110 and 0.00157; TOPMed 0.00166; ExAC 0.00294; 1000 Genomes Project 30x 0.00890; 1000 Genomes Project 0.01058.
gnomAD v4.1: 1,698 of 1,613,904 alleles (0.11%); highest among the groups gnomAD compares: East Asian, 2.9%; 30 homozygotes.

Submissions (6):

Labcorp Genetics (formerly Invitae), Labcorp
Classification: Benign for Charcot-Marie-Tooth disease axonal type 2O. Last evaluated: 2026-02-03. Review status: criteria provided, single submitter. Criteria: Invitae Variant Classification Sherloc (09022015). Collection method: clinical testing. Allele origin: germline.

GeneDx
Classification: Benign. Last evaluated: 2016-07-27. Review status: criteria provided, single submitter. Criteria: GeneDx Variant Classification (06012015). Collection method: clinical testing. Allele origin: germline. Affected: yes.
Comment: This variant is considered likely benign or benign based on one or more of the following criteria: it is a conservative change, it occurs at a poorly conserved position in the protein, it is predicted to be benign by multiple in silico algorithms, and/or has population frequency not consistent with disease.

Molecular Genetics Laboratory, London Health Sciences Centre
Classification: Benign for Charcot-Marie-Tooth disease. Review status: criteria provided, single submitter. Criteria: ACMG Guidelines, 2015. Collection method: clinical testing. Allele origin: germline. Affected: yes.

PreventionGenetics, part of Exact Sciences
Classification: Benign for DYNC1H1-related condition. Last evaluated: 2019-05-30. Review status: no assertion criteria provided. Collection method: clinical testing. Allele origin: germline. Not counted in ClinVar's aggregate classification.
Comment: This variant is classified as benign based on ACMG/AMP sequence variant interpretation guidelines (Richards et al. 2015 PMID: 25741868, with internal and published modifications).

Clinical Genetics DNA and cytogenetics Diagnostics Lab, Erasmus MC, Erasmus Medical Center
Classification: Likely benign. Review status: no assertion criteria provided. Collection method: clinical testing. Allele origin: germline. Affected: yes. Study: VKGL Data-share Consensus. Not counted in ClinVar's aggregate classification.

Clinical Genetics, Academic Medical Center
Classification: Benign. Review status: no assertion criteria provided. Collection method: clinical testing. Allele origin: germline. Affected: yes. Study: VKGL Data-share Consensus. Not counted in ClinVar's aggregate classification.

NM_001376.5(DYNC1H1):c.4185+20C>T

Gene: DYNC1H1 (dynein cytoplasmic 1 heavy chain 1; plus strand). Cytogenetic location: 14q32.31.
Variant type: single nucleotide variant.
Coding change: c.4185+20C>T on transcript NM_001376.5 (MANE Select); 20 bases into the intron after coding-DNA position 4185, C replaced by T.
Molecular consequence: intron variant.
Genome position (GRCh38, 1-based): chr14:102,001,084, C>T. VCF-style: chr14-102001084-C-T. GRCh37 (hg19) VCF-style: chr14-102467421-C-T.
Identifiers: ClinVar variation 385832 (VCV000385832.15), dbSNP rs74948967, ClinGen allele CA7352186.
Genomic context (GRCh38, chr14:102,001,084, plus strand): 5'-CCTATGAGTTTGTTCAGAGGCTTCTGAAAGGTTACATGAAGGTAGGTGGCCAGTATCGCA[C>T]GGTGATGAGTGTCCATTAGAAACGCACCTGCACAGATCACTTTGTTTACTTTCTCCACAG-3'